The following is an entry in ClinVar:

NM_001605.3(AARS1):c.798C>T (p.Tyr266=)

Gene: AARS1 (alanyl-tRNA synthetase 1; minus strand). Cytogenetic location: 16q22.1.
Variant type: single nucleotide variant.
Coding change: c.798C>T on transcript NM_001605.3 (MANE Select); coding-DNA position 798, C replaced by T.
Protein change: p.Tyr266=; no amino-acid change (tyrosine 266 retained).
Molecular consequence: synonymous variant.
Genome position (GRCh38, 1-based): chr16:70,270,214, G>A on the plus strand (C>T on the coding strand, the complement: AARS1 is on the minus strand). VCF-style: chr16-70270214-G-A. GRCh37 (hg19) VCF-style: chr16-70304117-G-A.
Identifiers: ClinVar variation 2808082 (VCV002808082.4), dbSNP rs2507017775, ClinGen allele CA496209717.
Genomic context (GRCh38, chr16:70,270,214, plus strand): 5'-AAACTCCACAGAAGTTTACAATGTTTGCAATAGCACCAGTACCTTCTGAATGGCTTCAAA[G>A]TAAGGGACAAAAAGGTCAGTGTCATAGTTGGACATCTTATTCTGCAGCACAGATACCAGT-3'
Protein context (NP_001596.2, residues 256-276): SNYDTDLFVP[Tyr266=]FEAIQKGTGA

ClinVar aggregate classification (germline): Likely benign. Review status: criteria provided, multiple submitters, no conflicts (2 of 4 stars). 2 submissions from 2 submitters: Likely benign (2). Last evaluated 2026-08-01.

Conditions:
Charcot-Marie-Tooth disease type 2. Also called: Charcot-Marie-Tooth type 2. Identifiers: Orphanet 64746, MedGen C0270914, MONDO:0018993.

Submissions (2):

CeGaT Center for Human Genetics Tuebingen
Classification: Likely benign. Last evaluated: 2026-08-01. Review status: criteria provided, single submitter. Criteria: CeGaT Center For Human Genetics Tuebingen Variant Classification Criteria Version 2. Collection method: clinical testing. Allele origin: germline. Affected: yes. Observed: 1 variant allele.
Comment: AARS1: PM2:Supporting, BP4, BP7

Labcorp Genetics (formerly Invitae), Labcorp
Classification: Likely benign for Charcot-Marie-Tooth disease type 2. Last evaluated: 2022-10-20. Review status: criteria provided, single submitter. Criteria: Invitae Variant Classification Sherloc (09022015). Collection method: clinical testing. Allele origin: germline.